The following is an entry in ClinVar:

ClinVar aggregate classification (germline): Pathogenic (1 of 4 stars; one submission).

Conditions:
Inborn genetic diseases. Identifiers: MedGen C0950123, MeSH D030342.

Submission:

Ambry Genetics
Classification: Pathogenic for Inborn genetic diseases. Last evaluated: 2025-08-11. Review status: criteria provided, single submitter. Criteria: Ambry Variant Classification Scheme 2023. Collection method: clinical testing. Allele origin: germline.
Comment: The c.1848_1849delCT (p.V618Cfs*28) alteration, located in exon 9 (coding exon 9) of the DSCAM gene, consists of a deletion of 2 nucleotides from position 1848 to 1849, causing a translational frameshift with a predicted alternate stop codon after 28 amino acids. This alteration is expected to result in loss of function by premature protein truncation or nonsense-mediated mRNA decay. Based on data from gnomAD, this allele has an overall frequency of <0.001% (1/249222) total alleles studied. The highest observed frequency was 0.007% (1/15486) of African alleles. Based on the available evidence, this alteration is classified as pathogenic.

NM_001389.5(DSCAM):c.1848_1849del (p.Val618fs)

Gene: DSCAM (DS cell adhesion molecule; minus strand). Cytogenetic location: 21q22.2.
Variant type: Deletion.
Coding change: c.1848_1849del on transcript NM_001389.5 (MANE Select); coding-DNA positions 1848 to 1849, 2 bases deleted (CT; older notation c.1848_1849delCT).
Protein change: p.Val618fs; shifts the reading frame from valine 618.
Molecular consequence: frameshift variant. On other transcripts: non-coding transcript variant (1).
Genome position (GRCh38, 1-based): chr21:40,312,294-40,312,295, AG deleted on the plus strand (CT on the coding strand, the reverse complement: DSCAM is on the minus strand). VCF-style (leftmost placement, unchanged base first): chr21-40312293-CAG-C. GRCh37 (hg19) VCF-style: chr21-41684220-CAG-C.
Other names: c.1848_1849del, p.Val618fs (NM_001271534.3); short protein forms V618fs.
Identifiers: ClinVar variation 4244940 (VCV004244940.1).